The following is an entry in ClinVar:

ClinVar aggregate classification (germline): Uncertain significance. Review status: criteria provided, multiple submitters, no conflicts (2 of 4 stars). 3 submissions from 3 submitters: Uncertain significance (3). Last evaluated 2025-12-21.

Conditions:
Ehlers-Danlos syndrome, type 4 (EDSVASC). Also called: Ehlers-Danlos Syndrome Type IV; Ehlers-Danlos syndrome vascular type; Ehlers Danlos syndrome, ecchymotic type; Ehlers Danlos syndrome, arterial type; Ehlers Danlos syndrome, Sack-Barabas type. Identifiers: Orphanet 286, MedGen C0268338, MONDO:0017314, OMIM 130050.

Allele frequency attached by ClinVar (database versions not stated): gnomAD exomes below 0.00001; ExAC 0.00002.
gnomAD v4.1: 7 of 1,614,198 alleles (0.00043%); highest among the groups gnomAD compares: East Asian, 0.0045%; no homozygotes.

Submissions (3):

Labcorp Genetics (formerly Invitae), Labcorp
Classification: Uncertain significance for Ehlers-Danlos syndrome, type 4. Last evaluated: 2025-12-21. Review status: criteria provided, single submitter. Criteria: Invitae Variant Classification Sherloc (09022015). Collection method: clinical testing. Allele origin: germline.
Comment: This sequence change replaces proline, which is neutral and non-polar, with serine, which is neutral and polar, at codon 1022 of the COL3A1 protein (p.Pro1022Ser). This variant is present in population databases (rs746474581, gnomAD 0.02%). This variant has not been reported in the literature in individuals affected with COL3A1-related conditions. ClinVar contains an entry for this variant (Variation ID: 3070908). Invitae Evidence Modeling of protein sequence and biophysical properties (such as structural, functional, and spatial information, amino acid conservation, physicochemical variation, residue mobility, and thermodynamic stability) indicates that this missense variant is not expected to disrupt COL3A1 protein function with a negative predictive value of 95%. In summary, the available evidence is currently insufficient to determine the role of this variant in disease. Therefore, it has been classified as a Variant of Uncertain Significance.

GeneDx
Classification: Uncertain significance. Last evaluated: 2023-11-22. Review status: criteria provided, single submitter. Criteria: GeneDx Variant Classification Process June 2021. Collection method: clinical testing. Allele origin: germline. Affected: yes.
Comment: Not observed at significant frequency in large population cohorts (gnomAD); In silico analysis supports that this missense variant has a deleterious effect on protein structure/function; Has not been previously published as pathogenic or benign to our knowledge; Occurs in the triple helical domain at the Y position in the canonical Gly-X-Y repeat; although this variant may have an effect on normal protein folding and function, missense substitution at the Y position is not a common mechanism of disease (HGMD)

All of Us Research Program, National Institutes of Health
Classification: Uncertain significance for Ehlers-Danlos syndrome, type 4. Last evaluated: 2023-05-04. Review status: criteria provided, single submitter. Criteria: ACMG Guidelines, 2015. Collection method: clinical testing. Allele origin: germline. Inheritance: Autosomal dominant inheritance. Observed: 1 variant allele, 1 heterozygote.
Comment: This missense variant replaces proline with serine at codon 1022 of the COL3A1 protein. Computational prediction is inconclusive regarding the impact of this variant on protein structure and function (internally defined REVEL score threshold 0.5 < inconclusive < 0.7, PMID: 27666373). To our knowledge, functional studies have not been reported for this variant. This variant has not been reported in individuals affected with COL3A1-related disorders in the literature. This variant has been identified in 4/251400 chromosomes in the general population by the Genome Aggregation Database (gnomAD). The available evidence is insufficient to determine the role of this variant in disease conclusively. Therefore, this variant is classified as a Variant of Uncertain Significance.

This study involves interpretation of variants in research participants for the purpose of population health screening. Participant phenotype was not available at the time of variant classification. Additional details can be found in publication PMID: 35346344, PMCID: PMC8962531

NM_000090.4(COL3A1):c.3064C>T (p.Pro1022Ser)

Gene: COL3A1 (collagen type III alpha 1 chain; plus strand). Cytogenetic location: 2q32.2.
Variant type: single nucleotide variant.
Coding change: c.3064C>T on transcript NM_000090.4 (MANE Select); coding-DNA position 3064, C replaced by T.
Protein change: p.Pro1022Ser; replaces proline 1022 with serine.
Molecular consequence: missense variant.
Genome position (GRCh38, 1-based): chr2:189,006,230, C>T. VCF-style: chr2-189006230-C-T. GRCh37 (hg19) VCF-style: chr2-189870956-C-T.
Other names: short protein forms P1022S.
Identifiers: ClinVar variation 3070908 (VCV003070908.3), dbSNP rs746474581, ClinGen allele CA075835.